The following is an entry in ClinVar:

NM_021930.6(RINT1):c.1672-15T>A

Gene: RINT1 (RAD50 interactor 1; plus strand). Cytogenetic location: 7q22.3.
Variant type: single nucleotide variant.
Coding change: c.1672-15T>A on transcript NM_021930.6 (MANE Select); 15 bases into the intron before coding-DNA position 1672, T replaced by A.
Molecular consequence: intron variant.
Genome position (GRCh38, 1-based): chr7:105,563,718, T>A. VCF-style: chr7-105563718-T-A. GRCh37 (hg19) VCF-style: chr7-105204165-T-A.
Other names: c.649-15T>A (NM_001346600.2, NM_001346603.2); c.748-15T>A (NM_001346601.2); c.1438-15T>A (NM_001346599.2).
Identifiers: ClinVar variation 2759007 (VCV002759007.3), dbSNP rs1032449812, ClinGen allele CA164066505.
Genomic context (GRCh38, chr7:105,563,718, plus strand): 5'-TGTATGACATATGAATTCTATTTCAAACTGTTAAAAAAAAAGTATGCTAATGTGTTAACA[T>A]GTTTTTGCTTTCAGTTCTTTCTACAACTTCAACAGGCTGCACTGGAGGTGTTTGCAGAGA-3'

ClinVar aggregate classification (germline): Uncertain significance (1 of 4 stars; one submission).

Allele frequency attached by ClinVar (database versions not stated): gnomAD 0.00001.
gnomAD v4.1: 6 of 1,597,606 alleles (0.00038%); highest among the groups gnomAD compares: East Asian, 0.0022%; no homozygotes.

Submission:

Labcorp Genetics (formerly Invitae), Labcorp
Classification: Uncertain significance. Last evaluated: 2023-09-25. Review status: criteria provided, single submitter. Criteria: Invitae Variant Classification Sherloc (09022015). Collection method: clinical testing. Allele origin: germline.
Comment: This sequence change falls in intron 11 of the RINT1 gene. It does not directly change the encoded amino acid sequence of the RINT1 protein. This variant is not present in population databases (gnomAD no frequency). This variant has not been reported in the literature in individuals affected with RINT1-related conditions. Algorithms developed to predict the effect of sequence changes on RNA splicing suggest that this variant may create or strengthen a splice site. In summary, the available evidence is currently insufficient to determine the role of this variant in disease. Therefore, it has been classified as a Variant of Uncertain Significance.